The following is an entry in ClinVar:

ClinVar aggregate classification (germline): Uncertain significance (1 of 4 stars; one submission).

gnomAD v4.1: 3 of 1,613,954 alleles (0.00019%); highest among the groups gnomAD compares: Non-Finnish European, 0.00025%; no homozygotes.

Submission:

Labcorp Genetics (formerly Invitae), Labcorp
Classification: Uncertain significance. Last evaluated: 2025-11-12. Review status: criteria provided, single submitter. Criteria: Invitae Variant Classification Sherloc (09022015). Collection method: clinical testing. Allele origin: germline.
Comment: This sequence change replaces leucine, which is neutral and non-polar, with phenylalanine, which is neutral and non-polar, at codon 132 of the CLCN7 protein (p.Leu132Phe). This variant is not present in population databases (gnomAD no frequency). This variant has not been reported in the literature in individuals affected with CLCN7-related conditions. ClinVar contains an entry for this variant (Variation ID: 2101607). Invitae Evidence Modeling of protein sequence and biophysical properties (such as structural, functional, and spatial information, amino acid conservation, physicochemical variation, residue mobility, and thermodynamic stability) indicates that this missense variant is not expected to disrupt CLCN7 protein function with a negative predictive value of 95%. In summary, the available evidence is currently insufficient to determine the role of this variant in disease. Therefore, it has been classified as a Variant of Uncertain Significance.

NM_001287.6(CLCN7):c.394C>T (p.Leu132Phe)

Gene: CLCN7 (Cl-/H+ antiporter 7; minus strand). Cytogenetic location: 16p13.3.
Variant type: single nucleotide variant.
Coding change: c.394C>T on transcript NM_001287.6 (MANE Select); coding-DNA position 394, C replaced by T.
Protein change: p.Leu132Phe; replaces leucine 132 with phenylalanine.
Molecular consequence: missense variant.
Genome position (GRCh38, 1-based): chr16:1,460,906, G>A on the plus strand (C>T on the coding strand, the complement: CLCN7 is on the minus strand). VCF-style: chr16-1460906-G-A. GRCh37 (hg19) VCF-style: chr16-1510907-G-A.
Other names: c.322C>T, p.Leu108Phe (NM_001114331.3); short protein forms L132F, L108F.
Identifiers: ClinVar variation 2101607 (VCV002101607.4), dbSNP rs1028581657, ClinGen allele CA276683091.